The following is an entry in ClinVar:

ClinVar aggregate classification (germline): Uncertain significance (1 of 4 stars; one submission).

Conditions:
Chédiak-Higashi syndrome (CHS). Also called: Chediak-Higashi Syndrome. Identifiers: Orphanet 167, MedGen C0007965, MONDO:0008963, OMIM 214500.

Submission:

Labcorp Genetics (formerly Invitae), Labcorp
Classification: Uncertain significance for Chédiak-Higashi syndrome. Last evaluated: 2023-06-30. Review status: criteria provided, single submitter. Criteria: Invitae Variant Classification Sherloc (09022015). Collection method: clinical testing. Allele origin: germline.
Comment: Advanced modeling of protein sequence and biophysical properties (such as structural, functional, and spatial information, amino acid conservation, physicochemical variation, residue mobility, and thermodynamic stability) performed at Invitae indicates that this missense variant is not expected to disrupt LYST protein function. This variant has not been reported in the literature in individuals affected with LYST-related conditions. This variant is not present in population databases (gnomAD no frequency). This sequence change replaces glycine, which is neutral and non-polar, with arginine, which is basic and polar, at codon 2483 of the LYST protein (p.Gly2483Arg). Algorithms developed to predict the effect of sequence changes on RNA splicing suggest that this variant may disrupt the consensus splice site. In summary, the available evidence is currently insufficient to determine the role of this variant in disease. Therefore, it has been classified as a Variant of Uncertain Significance.

NM_000081.4(LYST):c.7447G>A (p.Gly2483Arg)

Gene: LYST (lysosomal trafficking regulator; minus strand). Cytogenetic location: 1q42.3.
Variant type: single nucleotide variant.
Coding change: c.7447G>A on transcript NM_000081.4 (MANE Select); coding-DNA position 7447, G replaced by A.
Protein change: p.Gly2483Arg; replaces glycine 2483 with arginine.
Molecular consequence: missense variant.
Genome position (GRCh38, 1-based): chr1:235,753,057, C>T on the plus strand (G>A on the coding strand, the complement: LYST is on the minus strand). VCF-style: chr1-235753057-C-T. GRCh37 (hg19) VCF-style: chr1-235916357-C-T.
Other names: c.7447G>A, p.Gly2483Arg (NM_001301365.1); short protein forms G2483R.
Identifiers: ClinVar variation 2733672 (VCV002733672.3), dbSNP rs2103314837, ClinGen allele CA344931264.
Genomic context (GRCh38, chr1:235,753,057, plus strand): 5'-CTAAAGTATTTATCAGATGTAATTTTAAATAATAATTTTAAACTTACTTCTTTTCTAATC[C>T]ATTCAGGGCTGCTACTGTATTACATAACACATAGAGTAGACCATTATCCAGCAACATATC-3'
Protein context (NP_000072.2, residues 2473-2493): VLCNTVAALN[Gly2483Arg]LEKNIPMSEY